The following is an entry in ClinVar:

ClinVar aggregate classification (germline): Conflicting classifications of pathogenicity. Review status: criteria provided, conflicting classifications (1 of 4 stars). 3 submissions from 3 submitters: Likely pathogenic (2); Uncertain significance (1). Last evaluated 2025-11-04.

Conditions:
Congenital hyperammonemia, type I. Also called: Carbamoyl phosphate synthetase I deficiency disease; Carbamoyl phosphate synthetase 1 deficiency; Hyperammonemia due to carbamoyl phosphate synthetase 1 deficiency; CPS 1 deficiency; Carbamyl phosphate synthetase (CPS) deficiency; Carbamoyl-phosphate synthase I deficiency. Identifiers: Orphanet 147, MedGen C4082171, MONDO:0009376, OMIM 237300.
Pulmonary hypertension, neonatal, susceptibility to (PHN). Identifiers: MedGen C3714958, MONDO:0014151, OMIM 615371.

Allele frequency attached by ClinVar (database versions not stated): gnomAD exomes below 0.00001 and 0.00001.
gnomAD v4.1: 3 of 1,613,582 alleles (0.00019%); highest among the groups gnomAD compares: East Asian, 0.0022%; no homozygotes.

Submissions (3):

Myriad Genetics, Inc.
Classification: Uncertain significance for Congenital hyperammonemia, type I. Last evaluated: 2025-11-04. Review status: criteria provided, single submitter. Criteria: Myriad Autosomal Dominant, Autosomal Recessive and X-Linked Classification Criteria (2023). Collection method: clinical testing. Allele origin: unknown.
Comment: NM_001875.4(CPS1):c.4358G>A(R1453Q) is a missense variant classified as a variant of uncertain significance in the context of carbamoylphosphate synthetase I deficiency. R1453Q has been observed in cases with relevant disease (PMID: 29888426, 20578160). Relevant functional assessments of this variant are not available in the literature. Internal structural analysis of the variant is supportive of pathogenicity. R1453Q has been observed in referenced population frequency databases. In summary, there is insufficient evidence to classify NM_001875.4(CPS1):c.4358G>A(R1453Q) as pathogenic or benign. Please note: this variant was assessed in the context of healthy population screening.

Fulgent Genetics
Classification: Likely pathogenic for Congenital hyperammonemia, type I; Pulmonary hypertension, neonatal, susceptibility to. Last evaluated: 2024-02-23. Review status: criteria provided, single submitter. Criteria: ACMG Guidelines, 2015. Collection method: clinical testing. Allele origin: germline.

Labcorp Genetics (formerly Invitae), Labcorp
Classification: Likely pathogenic for Congenital hyperammonemia, type I. Last evaluated: 2023-10-05. Review status: criteria provided, single submitter. Criteria: Invitae Variant Classification Sherloc (09022015). Collection method: clinical testing. Allele origin: germline.
Comment: This sequence change replaces arginine, which is basic and polar, with glutamine, which is neutral and polar, at codon 1453 of the CPS1 protein (p.Arg1453Gln). This variant is not present in population databases (gnomAD no frequency). This missense change has been observed in individual(s) with carbamoyl phosphate synthetase I deficiency (PMID: 20578160). ClinVar contains an entry for this variant (Variation ID: 1524431). Advanced modeling of protein sequence and biophysical properties (such as structural, functional, and spatial information, amino acid conservation, physicochemical variation, residue mobility, and thermodynamic stability) has been performed at Invitae for this missense variant, however the output from this modeling did not meet the statistical confidence thresholds required to predict the impact of this variant on CPS1 protein function. Experimental studies have shown that this missense change affects CPS1 function (PMID: 20578160). This variant disrupts the p.Arg1453 amino acid residue in CPS1. Other variant(s) that disrupt this residue have been determined to be pathogenic (PMID: 20578160, 21120950, 22173106). This suggests that this residue is clinically significant, and that variants that disrupt this residue are likely to be disease-causing. In summary, the currently available evidence indicates that the variant is pathogenic, but additional data are needed to prove that conclusively. Therefore, this variant has been classified as Likely Pathogenic.

Literature cited by the submitters: PubMed 20578160 (cited by Myriad Genetics, Inc. and Labcorp Genetics (formerly Invitae), Labcorp); PubMed 29888426 (cited by Myriad Genetics, Inc.); PubMed 21120950 (cited by Labcorp Genetics (formerly Invitae), Labcorp); PubMed 22173106 (cited by Labcorp Genetics (formerly Invitae), Labcorp).

NM_001875.5(CPS1):c.4358G>A (p.Arg1453Gln)

Gene: CPS1 (carbamoyl-phosphate synthase 1; plus strand). Cytogenetic location: 2q34.
Variant type: single nucleotide variant.
Coding change: c.4358G>A on transcript NM_001875.5 (MANE Select); coding-DNA position 4358, G replaced by A.
Protein change: p.Arg1453Gln; replaces arginine 1453 with glutamine.
Molecular consequence: missense variant. On other transcripts: non-coding transcript variant (2).
Genome position (GRCh38, 1-based): chr2:210,677,090, G>A. VCF-style: chr2-210677090-G-A. GRCh37 (hg19) VCF-style: chr2-211541814-G-A.
Other names: c.4358G>A, p.Arg1453Gln (NM_001122633.3, NM_001369257.1); c.4391G>A, p.Arg1464Gln (NM_001369256.1); short protein forms R1464Q, R1453Q.
Identifiers: ClinVar variation 1524431 (VCV001524431.10), dbSNP rs1559142152, ClinGen allele CA350441056.